The following is an entry in ClinVar:

NM_001365999.1(SZT2):c.390C>T (p.Gly130=)

Gene: SZT2 (SZT2 subunit of KICSTOR complex; plus strand). Cytogenetic location: 1p34.2.
Variant type: single nucleotide variant.
Coding change: c.390C>T on transcript NM_001365999.1 (MANE Select); coding-DNA position 390, C replaced by T.
Protein change: p.Gly130=; no amino-acid change (glycine 130 retained).
Molecular consequence: synonymous variant.
Genome position (GRCh38, 1-based): chr1:43,404,442, C>T. VCF-style: chr1-43404442-C-T. GRCh37 (hg19) VCF-style: chr1-43870113-C-T.
Other names: c.390C>T, p.Gly130= (NM_015284.4).
Identifiers: ClinVar variation 852091 (VCV000852091.38), dbSNP rs187131803, ClinGen allele CA808157.

ClinVar aggregate classification (germline): Likely benign. Review status: criteria provided, multiple submitters, no conflicts (2 of 4 stars). 5 submissions from 5 submitters: Likely benign (5). Last evaluated 2025-11-24.

Conditions:
Developmental and epileptic encephalopathy, 18 (DEE18). Also called: Early infantile epileptic encephalopathy 18. Identifiers: Orphanet 369894, MedGen C3809624, MONDO:0014201, OMIM 615476.

Allele frequency attached by ClinVar (database versions not stated): ExAC 0.00004; gnomAD 0.00005 and 0.00006; gnomAD exomes 0.00006; TOPMed 0.00009; 1000 Genomes Project 30x 0.00016; 1000 Genomes Project 0.00020.
gnomAD v4.1: 99 of 1,613,994 alleles (0.0061%); highest among the groups gnomAD compares: Middle Eastern, 0.05%; no homozygotes.

Submissions (5):

Labcorp Genetics (formerly Invitae), Labcorp
Classification: Likely benign. Last evaluated: 2025-11-24. Review status: criteria provided, single submitter. Criteria: Invitae Variant Classification Sherloc (09022015). Collection method: clinical testing. Allele origin: germline.

CeGaT Center for Human Genetics Tuebingen
Classification: Likely benign. Last evaluated: 2025-04-01. Review status: criteria provided, single submitter. Criteria: CeGaT Center For Human Genetics Tuebingen Variant Classification Criteria Version 2. Collection method: clinical testing. Allele origin: germline. Affected: yes. Observed: 2 variant alleles.
Comment: SZT2: BP4, BP7

Blueprint Genetics
Classification: Likely benign. Last evaluated: 2024-10-30. Review status: criteria provided, single submitter. Criteria: ACMG Guidelines, 2015. Collection method: clinical testing. Allele origin: germline.

Genome-Nilou Lab
Classification: Likely benign for Developmental and epileptic encephalopathy, 18. Last evaluated: 2023-04-11. Review status: criteria provided, single submitter. Criteria: ACMG Guidelines, 2015. Collection method: clinical testing. Allele origin: germline. Affected: no.

GeneDx
Classification: Likely benign. Last evaluated: 2020-12-11. Review status: criteria provided, single submitter. Criteria: GeneDx Variant Classification Process June 2021. Collection method: clinical testing. Allele origin: germline. Affected: yes.